The following is an entry in ClinVar:

ClinVar aggregate classification (germline): Likely pathogenic (1 of 4 stars; one submission).

Conditions:
Ehlers-Danlos syndrome, periodontal type 1. Identifiers: Orphanet 75392, MedGen C4551499, MONDO:0020684, OMIM 130080.

Submission:

Petrovsky National Research Centre of Surgery, The Federal Agency for Scientific Organizations
Classification: Likely pathogenic for Ehlers-Danlos syndrome, periodontal type 1. Last evaluated: 2023-01-27. Review status: criteria provided, single submitter. Criteria: ACMG Guidelines, 2015. Collection method: clinical testing. Allele origin: germline. Inheritance: Autosomal dominant inheritance. Affected: yes. Observed: 1 heterozygote.
Comment: This variant is not present in databases (gnomAD, LOVD). ClinVar contains an entry for this variant (Variation ID: 267351) observed in patients with the consistent phenotype. Mutations in the C1R gene are known to be pathogenic (PMID: 27745832, 35365885), including the alternative variant p.Cys358Phe in the same codon. We assume that the c.1073G>A (p.Cys358Tyr) variant could be classified as Likely Pathogenic.

NM_001733.7(C1R):c.1073G>A (p.Cys358Tyr)

Gene: C1R (complement C1r; minus strand). Cytogenetic location: 12p13.31.
Variant type: single nucleotide variant.
Coding change: c.1073G>A on transcript NM_001733.7 (MANE Select); coding-DNA position 1073, G replaced by A.
Protein change: p.Cys358Tyr; replaces cysteine 358 with tyrosine.
Molecular consequence: missense variant.
Genome position (GRCh38, 1-based): chr12:7,086,423, C>T on the plus strand (G>A on the coding strand, the complement: C1R is on the minus strand). VCF-style: chr12-7086423-C-T.
Other names: p.Cys358Tyr; c.1115G>A, p.Cys372Tyr (NM_001354346.2); short protein forms C358Y, C372Y.
Identifiers: ClinVar variation 2444516 (VCV002444516.2), dbSNP rs1057518645, ClinGen allele CA2580086270.